The following is an entry in ClinVar:

ClinVar aggregate classification (germline): Uncertain significance. Review status: criteria provided, multiple submitters, no conflicts (2 of 4 stars). 4 submissions from 4 submitters: Uncertain significance (3). 1 of the submissions does not count toward it. Last evaluated 2026-04-14.

Conditions:
Fanconi anemia (FA). Also called: Fanconi's anemia. Identifiers: Orphanet 84, MedGen C0015625, MeSH D005199, MONDO:0019391.
Fanconi anemia complementation group A (FANCA). Also called: FANCA-Related Fanconi Anemia; Fanconi anemia, group A. Identifiers: Orphanet 84, MedGen C3469521, MONDO:0009215, OMIM 227650.

Allele frequency attached by ClinVar (database versions not stated): ESP Exome Variant Server 0.00008.
gnomAD v4.1: 28 of 1,611,144 alleles (0.0017%); highest among the groups gnomAD compares: African/African-American, 0.004%; no homozygotes.

Submissions (5):

Women's Health and Genetics/Laboratory Corporation of America, LabCorp
Classification: Uncertain significance. Last evaluated: 2026-04-14. Review status: criteria provided, single submitter. Criteria: LabCorp Variant Classification Summary - May 2015. Collection method: clinical testing. Allele origin: germline.

Labcorp Genetics (formerly Invitae), Labcorp
Classification: Uncertain significance for Fanconi anemia. Last evaluated: 2025-06-17. Review status: criteria provided, single submitter. Criteria: Invitae Variant Classification Sherloc (09022015). Collection method: clinical testing. Allele origin: germline.
Comment: This sequence change falls in intron 36 of the FANCA gene. It does not directly change the encoded amino acid sequence of the FANCA protein. It affects a nucleotide within the consensus splice site. This variant is present in population databases (rs370801038, gnomAD 0.006%). This variant has been observed in individual(s) with clinical features of Fanconi Anemia (PMID: 32098966). ClinVar contains an entry for this variant (Variation ID: 1054370). Variants that disrupt the consensus splice site are a relatively common cause of aberrant splicing (PMID: 17576681, 9536098). Algorithms developed to predict the effect of sequence changes on RNA splicing suggest that this variant may disrupt the consensus splice site. In summary, the available evidence is currently insufficient to determine the role of this variant in disease. Therefore, it has been classified as a Variant of Uncertain Significance.

Fulgent Genetics
Classification: Uncertain significance for Fanconi anemia complementation group A. Last evaluated: 2024-03-19. Review status: criteria provided, single submitter. Criteria: ACMG Guidelines, 2015. Collection method: clinical testing. Allele origin: germline.

Natera, Inc.
Classification: Uncertain significance for Fanconi anemia. Last evaluated: 2020-03-22. Review status: no assertion criteria provided. Collection method: clinical testing. Allele origin: germline. Not counted in ClinVar's aggregate classification.

Dr. Peter K. Rogan Lab, Western University
No classification provided (evidence only). Condition: Colon adenocarcinoma. Review status: no classification provided. Collection method: in vitro. Allele origin: not applicable. Functional consequence: cryptic splice site. Not counted in ClinVar's aggregate classification.

Literature cited by the submitters: PubMed 32098966 (cited by Labcorp Genetics (formerly Invitae), Labcorp); PubMed 17576681 (cited by Labcorp Genetics (formerly Invitae), Labcorp); PubMed 9536098 (cited by Labcorp Genetics (formerly Invitae), Labcorp).

NM_000135.4(FANCA):c.3626+5G>A

Gene: FANCA (FA complementation group A; minus strand). Cytogenetic location: 16q24.3.
Variant type: single nucleotide variant.
Coding change: c.3626+5G>A on transcript NM_000135.4 (MANE Select); 5 bases into the intron after coding-DNA position 3626, G replaced by A.
Molecular consequence: intron variant.
Genome position (GRCh38, 1-based): chr16:89,744,954, C>T on the plus strand (G>A on the coding strand, the complement: FANCA is on the minus strand). VCF-style: chr16-89744954-C-T. GRCh37 (hg19) VCF-style: chr16-89811362-C-T.
Other names: c.3626+5G>A (NM_001286167.3).
Identifiers: ClinVar variation 1054370 (VCV001054370.9), dbSNP rs370801038, ClinGen allele CA8251072.